The following is an entry in ClinVar:

NM_000053.4(ATP7B):c.3028A>T (p.Lys1010Ter)

Gene: ATP7B (ATPase copper transporting beta; minus strand). Cytogenetic location: 13q14.3.
Variant type: single nucleotide variant.
Coding change: c.3028A>T on transcript NM_000053.4 (MANE Select); coding-DNA position 3028, A replaced by T.
Protein change: p.Lys1010Ter; replaces lysine 1010 with a stop codon.
Molecular consequence: nonsense. On other transcripts: intron variant (6).
Genome position (GRCh38, 1-based): chr13:51,946,316, T>A on the plus strand (A>T on the coding strand, the complement: ATP7B is on the minus strand). VCF-style: chr13-51946316-T-A. GRCh37 (hg19) VCF-style: chr13-52520452-T-A.
Other names: c.2407A>T, p.Lys803Ter (NM_001005918.3); c.2695A>T, p.Lys899Ter (NM_001243182.2); c.2794A>T, p.Lys932Ter (NM_001330578.2, NM_001406527.1, NM_001406528.1 and 1 more transcripts); c.2776A>T, p.Lys926Ter (NM_001330579.2, NM_001406531.1, NM_001406532.1); c.3028A>T, p.Lys1010Ter (NM_001406511.1, NM_001406512.1, NM_001406513.1 and 2 more transcripts); c.2995A>T, p.Lys999Ter (NM_001406514.1); c.2974A>T, p.Lys992Ter (NM_001406515.1, NM_001406516.1); c.2932A>T, p.Lys978Ter (NM_001406517.1, NM_001406518.1); and 18 more; short protein forms K1010*, K580*, K794*, K803*, K816*, K848*, K867*, K894*.
Identifiers: ClinVar variation 5013753 (VCV005013753.1).

ClinVar aggregate classification (germline): Pathogenic (1 of 4 stars; one submission).

Conditions:
Wilson disease (WND). Also called: Wilson's disease. Identifiers: Orphanet 905, MedGen C0019202, MONDO:0010200, OMIM 277900. Disease mechanism: loss of function.

Submission:

Myriad Genetics, Inc.
Classification: Pathogenic for Wilson disease. Last evaluated: 2024-11-15. Review status: criteria provided, single submitter. Criteria: Myriad Autosomal Dominant, Autosomal Recessive and X-Linked Classification Criteria (2023). Collection method: clinical testing. Allele origin: unknown.
Comment: NM_000053.3(ATP7B):c.3028A>T(K1010*) is expected to be pathogenic in the context of Wilson disease. This variant is predicted to lead to an abnormal or absent protein product due to the creation of a premature termination codon in ATP7B, a gene where loss-of-function variants are known to be pathogenic. Please note: this variant was assessed in the context of healthy population screening.